The following is an entry in ClinVar:

ClinVar aggregate classification (germline): Likely pathogenic (1 of 4 stars; one submission).

Conditions:
Hereditary cancer-predisposing syndrome. Also called: Neoplastic Syndromes, Hereditary; Tumor predisposition; Hereditary Cancer Syndrome; Hereditary neoplastic syndrome. Identifiers: Orphanet 140162, MedGen C0027672, MeSH D009386, MONDO:0015356.

Submission:

Ambry Genetics
Classification: Likely pathogenic for Hereditary cancer-predisposing syndrome. Last evaluated: 2026-02-03. Review status: criteria provided, single submitter. Criteria: Ambry Variant Classification Scheme 2023. Collection method: clinical testing. Allele origin: germline.
Comment: The c.477dupT variant, located in coding exon 6 of the SDHC gene, results from a duplication of T at nucleotide position 477, causing a translational frameshift with a predicted alternate stop codon (p.V160Cfs*47). This alteration occurs at the 3' terminus of the gene, is not expected to trigger nonsense-mediated mRNAdecay and results in the elongation of the protein by 36 amino acids. This frameshift impacts the last 6%of the native protein. This variant was reported in individual(s) with features consistent with SDHC-related hereditary pheochromocytoma-paraganglioma (Ambry internal data). This variant is considered to be rare based on population cohorts in the Genome Aggregation Database (gnomAD). Based on the majority of available evidence to date, this variant is likely to be pathogenic.

NM_003001.5(SDHC):c.477dup (p.Val160fs)

Gene: SDHC (succinate dehydrogenase complex subunit C; plus strand). Cytogenetic location: 1q23.3.
Variant type: Duplication.
Coding change: c.477dup on transcript NM_003001.5 (MANE Select); coding-DNA position 477, one base duplicated (T; older notation c.477dupT).
Protein change: p.Val160fs; shifts the reading frame from valine 160.
Molecular consequence: frameshift variant. On other transcripts: non-coding transcript variant (1).
Genome position (GRCh38, 1-based): chr1:161,362,400, T duplicated. VCF-style (leftmost placement, unchanged base first): chr1-161362399-C-CT. GRCh37 (hg19) VCF-style: chr1-161332189-C-CT.
Other names: c.477dupT (NM_003001.3); c.313dup, p.Cys105fs (NM_001035511.3); c.375dup, p.Val126fs (NM_001035512.3); c.318dup, p.Val107fs (NM_001035513.3); c.211dup, p.Cys71fs (NM_001278172.3); c.597dup, p.Val200fs (NM_001407115.1); c.420dup, p.Val141fs (NM_001407116.1); c.366dup, p.Val123fs (NM_001407120.1, NM_001407119.1); and 3 more; short protein forms C105fs, V126fs, V200fs, V123fs, C71fs, V124fs, V139fs, V141fs.
Identifiers: ClinVar variation 4548011 (VCV004548011.2).